The following is an entry in ClinVar:

NM_000430.4(PAFAH1B1):c.1063A>G (p.Ser355Gly)

Gene: PAFAH1B1 (platelet activating factor acetylhydrolase 1b regulatory subunit 1; plus strand). Cytogenetic location: 17p13.3.
Variant type: single nucleotide variant.
Coding change: c.1063A>G on transcript NM_000430.4 (MANE Select); coding-DNA position 1063, A replaced by G.
Protein change: p.Ser355Gly; replaces serine 355 with glycine.
Molecular consequence: missense variant.
Genome position (GRCh38, 1-based): chr17:2,680,224, A>G. VCF-style: chr17-2680224-A-G. GRCh37 (hg19) VCF-style: chr17-2583518-A-G.
Other names: short protein forms S355G.
Identifiers: ClinVar variation 2772409 (VCV002772409.3), dbSNP rs2544121617, ClinGen allele CA397642498.

ClinVar aggregate classification (germline): Uncertain significance (1 of 4 stars; one submission).

Submission:

Labcorp Genetics (formerly Invitae), Labcorp
Classification: Uncertain significance. Last evaluated: 2023-10-28. Review status: criteria provided, single submitter. Criteria: Invitae Variant Classification Sherloc (09022015). Collection method: clinical testing. Allele origin: germline.
Comment: This sequence change replaces serine, which is neutral and polar, with glycine, which is neutral and non-polar, at codon 355 of the PAFAH1B1 protein (p.Ser355Gly). This variant is not present in population databases (gnomAD no frequency). This variant has not been reported in the literature in individuals affected with PAFAH1B1-related conditions. An algorithm developed to predict the effect of missense changes on protein structure and function (PolyPhen-2) suggests that this variant is likely to be disruptive. In summary, the available evidence is currently insufficient to determine the role of this variant in disease. Therefore, it has been classified as a Variant of Uncertain Significance.